The following is an entry in ClinVar:

NM_000368.5(TSC1):c.*107T>C

Gene: TSC1 (TSC complex subunit 1; minus strand). Cytogenetic location: 9q34.13.
Variant type: single nucleotide variant.
Coding change: c.*107T>C on transcript NM_000368.5 (MANE Select); 107 bases downstream of the stop codon, T replaced by C.
Molecular consequence: 3 prime UTR variant.
Genome position (GRCh38, 1-based): chr9:132,896,128, A>G on the plus strand (T>C on the coding strand, the complement: TSC1 is on the minus strand). VCF-style: chr9-132896128-A-G. GRCh37 (hg19) VCF-style: chr9-135771515-A-G.
Other names: c.*107T>C (NM_001162426.2, NM_001162427.2, NM_001362177.2).
Identifiers: ClinVar variation 64832 (VCV000064832.7), dbSNP rs116917669, ClinGen allele CA004395.

ClinVar aggregate classification (germline): Benign. Review status: criteria provided, multiple submitters, no conflicts (2 of 4 stars). 4 submissions from 3 submitters: Benign (3). 1 of the submissions does not count toward it. Last evaluated 2018-01-13.

Conditions:
Tuberous sclerosis syndrome (TSC). Also called: Tuberous Sclerosis Complex; Tuberous sclerosis. Identifiers: Orphanet 805, MedGen C0041341, MONDO:0001734.
Tuberous sclerosis 1 (TSC1). Identifiers: Orphanet 805, MedGen C1854465, MONDO:0008612, OMIM 191100.
Isolated focal cortical dysplasia type II (FCORD2). Also called: CORTICAL DYSPLASIA OF TAYLOR; Focal cortical dysplasia type II. Identifiers: Orphanet 268994, MedGen C1846385, MONDO:0011818, OMIM 607341, HP:0032051.

Allele frequency attached by ClinVar (database versions not stated): 1000 Genomes Project 30x 0.01655; 1000 Genomes Project 0.01717; gnomAD 0.02316 and 0.02353; TOPMed 0.02368; gnomAD exomes 0.03204.
gnomAD v4.1: 47,835 of 1,538,092 alleles (3.1%); highest among the groups gnomAD compares: Non-Finnish European, 3.6%; 864 homozygotes.

Submissions (4):

Illumina Laboratory Services, Illumina
Classification: Benign for Tuberous sclerosis 1. Last evaluated: 2018-01-13. Review status: criteria provided, single submitter. Criteria: ICSL Variant Classification Criteria 13 December 2019. Collection method: clinical testing. Allele origin: germline.
Comment: This variant was observed in the ICSL laboratory as part of a predisposition screen in an ostensibly healthy population. It had not been previously curated by ICSL or reported in the Human Gene Mutation Database (HGMD: prior to June 1st, 2018), and was therefore a candidate for classification through an automated scoring system. Utilizing variant allele frequency, disease prevalence and penetrance estimates, and inheritance mode, an automated score was calculated to assess if this variant is too frequent to cause the disease. Based on the score and internal cut-off values, a variant classified as benign is not then subjected to further curation. The score for this variant resulted in a classification of benign for this disease.

Illumina Laboratory Services, Illumina
Classification: Benign for Isolated focal cortical dysplasia type II. Last evaluated: 2018-01-13. Review status: criteria provided, single submitter. Criteria: ICSL Variant Classification Criteria 13 December 2019. Collection method: clinical testing. Allele origin: germline.
Comment: the same text as in the submission from Illumina Laboratory Services, Illumina above.

Breakthrough Genomics
Classification: Benign. Review status: criteria provided, single submitter. Criteria: ACMG Guidelines, 2015. Collection method: not provided. Allele origin: germline. Inheritance: Autosomal dominant inheritance. Affected: yes.

Tuberous sclerosis database (TSC1)
No classification provided. Condition: TSC. Review status: no classification provided. Criteria: Tuberous Sclerosis Database Assertion Criteria 2015. Collection method: curation. Allele origin: germline. Affected: yes. Not counted in ClinVar's aggregate classification.